The following is an entry in ClinVar:

NM_001848.3(COL6A1):c.2611G>C (p.Val871Leu)

Gene: COL6A1 (collagen type VI alpha 1 chain; plus strand). Cytogenetic location: 21q22.3.
Variant type: single nucleotide variant.
Coding change: c.2611G>C on transcript NM_001848.3 (MANE Select); coding-DNA position 2611, G replaced by C.
Protein change: p.Val871Leu; replaces valine 871 with leucine.
Molecular consequence: missense variant.
Genome position (GRCh38, 1-based): chr21:46,003,537, G>C. VCF-style: chr21-46003537-G-C. GRCh37 (hg19) VCF-style: chr21-47423451-G-C.
Other names: short protein forms V871L.
Identifiers: ClinVar variation 2097113 (VCV002097113.4), dbSNP rs374685631, ClinGen allele CA410539990.
Genomic context (GRCh38, chr21:46,003,537, plus strand): 5'-TTCGCCAAGCGCCTGGCCGAGCGCTTCCTCACAGCGGGCAGGACGGACCCCGCCCACGAC[G>C]TGCGGGTGGCGGTGGTGCAGTACAGCGGCACGGGCCAGCAGCGCCCAGAGCGGGCGTCGC-3'
Protein context (NP_001839.2, residues 861-881): TAGRTDPAHD[Val871Leu]RVAVVQYSGT

ClinVar aggregate classification (germline): Uncertain significance (1 of 4 stars; one submission).

Conditions:
Bethlem myopathy 1A. Also called: MYOPATHY, BENIGN CONGENITAL, WITH CONTRACTURES; Bethlem myopathy 1; Bethlem Muscular Dystrophy. Identifiers: Orphanet 610, MedGen CN029274, MONDO:0024530, OMIM 158810.

Submission:

Labcorp Genetics (formerly Invitae), Labcorp
Classification: Uncertain significance for Bethlem myopathy 1A. Last evaluated: 2022-02-12. Review status: criteria provided, single submitter. Criteria: Invitae Variant Classification Sherloc (09022015). Collection method: clinical testing. Allele origin: germline.
Comment: In summary, the available evidence is currently insufficient to determine the role of this variant in disease. Therefore, it has been classified as a Variant of Uncertain Significance. Advanced modeling of protein sequence and biophysical properties (such as structural, functional, and spatial information, amino acid conservation, physicochemical variation, residue mobility, and thermodynamic stability) performed at Invitae indicates that this missense variant is not expected to disrupt COL6A1 protein function. This variant has not been reported in the literature in individuals affected with COL6A1-related conditions. This variant is not present in population databases (gnomAD no frequency). This sequence change replaces valine, which is neutral and non-polar, with leucine, which is neutral and non-polar, at codon 871 of the COL6A1 protein (p.Val871Leu).